The following is an entry in ClinVar:

NM_001042492.3(NF1):c.1019_1020del (p.Ser340fs)

Gene: NF1 (neurofibromin 1; plus strand). Cytogenetic location: 17q11.2.
Variant type: Microsatellite.
Coding change: c.1019_1020del on transcript NM_001042492.3 (MANE Select); coding-DNA positions 1019 to 1020, 2 bases deleted (CT; older notation c.1019_1020delCT).
Protein change: p.Ser340fs; shifts the reading frame from serine 340.
Molecular consequence: frameshift variant.
Genome position (GRCh38, 1-based): chr17:31,200,552-31,200,553, CT deleted; deleting any 2 consecutive bases within chr17:31,200,550-31,200,553 gives the same sequence; the c. name uses the placement nearest the transcript's 3' end. VCF-style (leftmost placement, unchanged base first): chr17-31200549-ACT-A. GRCh37 (hg19) VCF-style: chr17-29527567-ACT-A.
Other names: c.1017_1018CT[1], p.Ser340Cysfs (NM_000267.4); c.1019_1020del, p.Ser340fs (NM_001128147.3); c.1019_1020del (NM_001042492.2); c.1019_1020delCT (NM_000267.3, NM_001042492.2); short protein forms S340fs.
Identifiers: ClinVar variation 547579 (VCV000547579.33), dbSNP rs1555610903, ClinGen allele CA658760985.

ClinVar aggregate classification (germline): Pathogenic/Likely pathogenic. Review status: criteria provided, multiple submitters, no conflicts (2 of 4 stars). 16 submissions from 16 submitters: Pathogenic (15); Likely pathogenic (1). Last evaluated 2026-09-01.
ClinVar aggregate classification (oncogenicity): Likely oncogenic (1 of 4 stars; one submission).

Conditions:
Neurofibromatosis, type 1 (NF1). Also called: NEUROFIBROMATOSIS, TYPE I, SOMATIC; VON RECKLINGHAUSEN DISEASE; Neurofibromatosis, type I; Peripheral type neurofibromatosis. Identifiers: Orphanet 636, MedGen C0027831, MONDO:0018975, OMIM 162200. Disease mechanism: loss of function.
NF1-related disorder. Also called: NF1-related condition. Identifiers: MedGen CN379171.
Hereditary cancer-predisposing syndrome. Also called: Hereditary Cancer Syndrome; Neoplastic Syndromes, Hereditary; Hereditary neoplastic syndrome; Tumor predisposition. Identifiers: Orphanet 140162, MedGen C0027672, MeSH D009386, MONDO:0015356.
Cardiovascular phenotype. Identifiers: MedGen CN230736.
Tibial pseudarthrosis. Identifiers: MedGen C4024216, HP:0009736.
Neurofibromatosis-Noonan syndrome (NFNS). Also called: NEUROFIBROMATOSIS WITH NOONAN PHENOTYPE. Identifiers: Orphanet 638, MedGen C2931482, MONDO:0011035, OMIM 601321. Disease mechanism: loss of function.
Café-au-lait macules with pulmonary stenosis (WTSN). Also called: PULMONIC STENOSIS WITH CAFE-AU-LAIT SPOTS. Identifiers: MedGen C0553586, MONDO:0008672, OMIM 193520.
Neurofibromatosis, familial spinal (FSNF). Identifiers: Orphanet 636, MedGen C1834235, MONDO:0008078, OMIM 162210. Disease mechanism: loss of function.
Juvenile myelomonocytic leukemia (JMML). Also called: LEUKEMIA, JUVENILE MYELOMONOCYTIC, SOMATIC. Identifiers: Orphanet 86834, MedGen C0349639, MONDO:0011908, OMIM 607785, HP:0012209.
Neoplasm. Also called: tumor; Neoplasms; Neoplasm (disease). Identifiers: MedGen C0027651, MeSH D009369, MONDO:0005070, HP:0002664.

Submissions (17):

CeGaT Center for Human Genetics Tuebingen
Classification: Pathogenic. Last evaluated: 2026-09-01. Review status: criteria provided, single submitter. Criteria: CeGaT Center For Human Genetics Tuebingen Variant Classification Criteria Version 2. Collection method: clinical testing. Allele origin: germline. Affected: yes. Observed: 1 variant allele.
Comment: NF1: PVS1, PS4, PM2, PM6

Myriad Genetics, Inc.
Classification: Pathogenic for Neurofibromatosis, type 1. Last evaluated: 2026-03-17. Review status: criteria provided, single submitter. Criteria: Myriad Autosomal Dominant, Autosomal Recessive and X-Linked Classification Criteria (2023). Collection method: clinical testing. Allele origin: unknown.
Comment: This variant is considered pathogenic. This variant creates a frameshift predicted to result in premature protein truncation.

Labcorp Genetics (formerly Invitae), Labcorp
Classification: Pathogenic for Neurofibromatosis, type 1. Last evaluated: 2026-01-19. Review status: criteria provided, single submitter. Criteria: Invitae Variant Classification Sherloc (09022015). Collection method: clinical testing. Allele origin: germline.
Comment: This sequence change creates a premature translational stop signal (p.Ser340Cysfs*12) in the NF1 gene. It is expected to result in an absent or disrupted protein product. Loss-of-function variants in NF1 are known to be pathogenic (PMID: 10712197, 23913538). This variant is not present in population databases (gnomAD no frequency). This premature translational stop signal has been observed in individual(s) with neurofibromatosis type 1 (PMID: 9298829, 18546366, 20964122, 31201679, 31370276). Invitae Evidence Modeling of clinical and family history, age, sex, and reported ancestry of multiple individuals with this NF1 variant has been performed. This variant is expected to be pathogenic with a positive predictive value of at least 99%. This is a validated machine learning model that incorporates the clinical features of 1,785,918 individuals referred to our laboratory for NF1 testing. This variant is also known as c.1017_c.1018delCT. ClinVar contains an entry for this variant (Variation ID: 547579). Algorithms developed to predict the effect of sequence changes on RNA splicing suggest that this variant may disrupt the consensus splice site. For these reasons, this variant has been classified as Pathogenic.

Center for Genomic Medicine, Rigshospitalet, Copenhagen University Hospital
Classification: Likely oncogenic for Neoplasm. Last evaluated: 2025-03-04. Review status: criteria provided, single submitter. Criteria: ClinGen/CGC/VICC Guidelines for Oncogenicity, 2022. Collection method: clinical testing. Allele origin: somatic. Affected: yes.

Clinical Genetics Laboratory, Skane University Hospital Lund
Classification: Pathogenic. Last evaluated: 2022-07-13. Review status: criteria provided, single submitter. Criteria: ACMG Guidelines, 2015. Collection method: clinical testing. Allele origin: germline. Affected: yes.

MGZ Medical Genetics Center
Classification: Pathogenic for Neurofibromatosis, type 1. Last evaluated: 2022-05-20. Review status: criteria provided, single submitter. Criteria: ACMG Guidelines, 2015. Collection method: clinical testing. Allele origin: germline. Affected: yes. Observed: 2 variant alleles.
Comment: ACMG criteria applied: PVS1, PM6, PM2_SUP, PP4

Blueprint Genetics
Classification: Pathogenic for NF1-related disorders. Last evaluated: 2022-04-01. Review status: criteria provided, single submitter. Criteria: ACMG Guidelines, 2015. Collection method: clinical testing. Allele origin: germline. Affected: yes. Observed: 3 variant alleles.

Genome-Nilou Lab
Classification: Likely pathogenic for Neurofibromatosis, type 1. Last evaluated: 2022-03-15. Review status: criteria provided, single submitter. Criteria: ACMG Guidelines, 2015. Collection method: clinical testing. Allele origin: germline. Affected: no.

GeneDx
Classification: Pathogenic. Last evaluated: 2021-12-01. Review status: criteria provided, single submitter. Criteria: GeneDx Variant Classification Process June 2021. Collection method: clinical testing. Allele origin: germline. Affected: yes.
Comment: Frameshift variant predicted to result in protein truncation or nonsense mediated decay in a gene for which loss-of-function is a known mechanism of disease; Not observed at significant frequency in large population cohorts (Lek 2016); This variant is associated with the following publications: (PMID: 20964122, 9298829, 18546366, 31370276, 31533797, 31776437)

3billion
Classification: Pathogenic for Neurofibromatosis-Noonan syndrome. Last evaluated: 2021-10-02. Review status: criteria provided, single submitter. Criteria: ACMG Guidelines, 2015. Collection method: clinical testing. Allele origin: unknown. Affected: yes. Observed: 1 heterozygote.
Comment: Frameshift: predicted to result in a loss or disruption of normal protein function through nonsense-mediated decay (NMD) or protein truncation. Multiple pathogenic variants are reported downstream of the variant (PVS1_VS). It is not observed in the gnomAD v2.1.1 dataset (PM2). The variant has been reported multiple times as an established pathogenic variant (ClinVar ID: VCV000547579.12). Therefore, this variant is classified as pathogenic according to the recommendation of ACMG/AMP guideline.

Genome Diagnostics Laboratory, The Hospital for Sick Children
Classification: Pathogenic for Neurofibromatosis, type 1. Last evaluated: 2020-10-26. Review status: criteria provided, single submitter. Criteria: ACMG Guidelines, 2015. Collection method: clinical testing. Allele origin: germline. Affected: yes.

Institute of Medical Genetics and Applied Genomics, University Hospital Tübingen
Classification: Pathogenic. Last evaluated: 2020-10-23. Review status: criteria provided, single submitter. Criteria: ACMG Guidelines, 2015. Collection method: clinical testing. Allele origin: germline. Inheritance: Unknown mechanism. Affected: yes.

Medical Genetics, University of Parma
Classification: Pathogenic for Neurofibromatosis, type 1. Last evaluated: 2019-12-20. Review status: criteria provided, single submitter. Criteria: ACMG Guidelines, 2015. Collection method: clinical testing. Allele origin: germline. Affected: yes.

Ambry Genetics
Classification: Pathogenic for Cardiovascular phenotype; Hereditary cancer-predisposing syndrome. Last evaluated: 2019-06-13. Review status: criteria provided, single submitter. Criteria: Ambry General Variant Classification Scheme_2022. Collection method: clinical testing. Allele origin: germline. Observed: 1 variant allele.
Comment: The c.1019_1020delCT variant, located in coding exon 9 of the NF1 gene, results from a deletion of two nucleotides at nucleotide positions 1019 to 1020, causing a translational frameshift with a predicted alternate stop codon (p.S340Cfs*12). This mutation has been detected in one individual who met NIH diagnostic criteria for NF1 (Upadhyaya M, et al. Hum. Mutat. 1997;10(3):248-50). In addition to the clinical data presented in the literature, this alteration is expected to result in loss of function by premature protein truncation or nonsense-mediated mRNA decay. As such, this alteration is interpreted as a disease-causing mutation.

The Laboratory of Genetics and Metabolism, Hunan Children’s Hospital
Classification: Pathogenic for Neurofibromatosis, type 1; Tibial pseudoarthrosis. Last evaluated: 2018-11-10. Review status: criteria provided, single submitter. Criteria: ACMG Guidelines, 2015. Collection method: research. Allele origin: de novo. Affected: yes. Observed: 1 variant allele.

Center for Human Genetics, Inc
Classification: Pathogenic for Neurofibromatosis, type 1. Last evaluated: 2016-11-01. Review status: criteria provided, single submitter. Criteria: ACMG Guidelines, 2015. Collection method: clinical testing. Allele origin: germline. Affected: yes.

Juno Genomics, Hangzhou Juno Genomics, Inc
Classification: Pathogenic for Café-au-lait macules with pulmonary stenosis; Neurofibromatosis, type 1; Juvenile myelomonocytic leukemia; Neurofibromatosis, familial spinal; Neurofibromatosis-Noonan syndrome. Review status: criteria provided, single submitter. Criteria: ACMG Guidelines, 2015. Collection method: clinical testing. Allele origin: germline. Affected: yes.
Comment: Absent from controls (or at extremely low frequency if recessive) in Genome Aggregation Database.;Null variant in a gene where loss of function (LOF) is a known mechanism of disease.;The prevalence of the variant in affected individuals is significantly increased compared to the prevalence in controls.;Assumed de novo, but without confirmation of paternity and maternity.

Literature cited by the submitters: PubMed 10712197 (cited by Labcorp Genetics (formerly Invitae), Labcorp); PubMed 23913538 (cited by Labcorp Genetics (formerly Invitae), Labcorp); PubMed 9298829 (cited by Labcorp Genetics (formerly Invitae), Labcorp and Center for Genomic Medicine, Rigshospitalet, Copenhagen University Hospital); PubMed 18546366 (cited by Labcorp Genetics (formerly Invitae), Labcorp and Center for Genomic Medicine, Rigshospitalet, Copenhagen University Hospital); PubMed 20964122 (cited by 3 submitters); PubMed 31201679 (cited by Labcorp Genetics (formerly Invitae), Labcorp and Center for Genomic Medicine, Rigshospitalet, Copenhagen University Hospital); PubMed 31370276 (cited by Labcorp Genetics (formerly Invitae), Labcorp and Center for Genomic Medicine, Rigshospitalet, Copenhagen University Hospital); PubMed 34046057 (cited by Center for Genomic Medicine, Rigshospitalet, Copenhagen University Hospital); PubMed 31533797 (cited by The Laboratory of Genetics and Metabolism, Hunan Children’s Hospital).